The following is an entry in ClinVar:

ClinVar aggregate classification (germline): Uncertain significance (1 of 4 stars; one submission).

Conditions:
Primary ciliary dyskinesia. Also called: Ciliary dyskinesia. Identifiers: Orphanet 244, MedGen C0008780, MONDO:0016575, HP:0012265.

Allele frequency attached by ClinVar (database versions not stated): gnomAD exomes below 0.00001; ExAC 0.00001.
gnomAD v4.1: 3 of 1,613,820 alleles (0.00019%); highest among the groups gnomAD compares: African/African-American, 0.0027%; no homozygotes.

Submission:

Labcorp Genetics (formerly Invitae), Labcorp
Classification: Uncertain significance for Primary ciliary dyskinesia. Last evaluated: 2024-02-05. Review status: criteria provided, single submitter. Criteria: Invitae Variant Classification Sherloc (09022015). Collection method: clinical testing. Allele origin: germline.
Comment: This sequence change replaces alanine, which is neutral and non-polar, with valine, which is neutral and non-polar, at codon 1256 of the DNAH5 protein (p.Ala1256Val). This variant is present in population databases (rs780280647, gnomAD 0.003%). This variant has not been reported in the literature in individuals affected with DNAH5-related conditions. ClinVar contains an entry for this variant (Variation ID: 2189991). Advanced modeling of protein sequence and biophysical properties (such as structural, functional, and spatial information, amino acid conservation, physicochemical variation, residue mobility, and thermodynamic stability) performed at Invitae indicates that this missense variant is not expected to disrupt DNAH5 protein function with a negative predictive value of 95%. In summary, the available evidence is currently insufficient to determine the role of this variant in disease. Therefore, it has been classified as a Variant of Uncertain Significance.

NM_001369.3(DNAH5):c.3767C>T (p.Ala1256Val)

Genes: DNAH5 (dynein axonemal heavy chain 5; minus strand), DNAH5-AS1 (DNAH5 antisense RNA 1; plus strand). Cytogenetic location: 5p15.2.
Variant type: single nucleotide variant.
Coding change: c.3767C>T on transcript NM_001369.3 (MANE Select); coding-DNA position 3767, C replaced by T.
Protein change: p.Ala1256Val; replaces alanine 1256 with valine.
Molecular consequence: missense variant.
Genome position (GRCh38, 1-based): chr5:13,870,834, G>A on the plus strand (C>T on the coding strand, the complement: DNAH5 is on the minus strand). VCF-style: chr5-13870834-G-A. GRCh37 (hg19) VCF-style: chr5-13870943-G-A.
Other names: short protein forms A1256V.
Identifiers: ClinVar variation 2189991 (VCV002189991.2), dbSNP rs780280647, ClinGen allele CA3204179.